The following is an entry in ClinVar:

ClinVar aggregate classification (germline): Uncertain significance. Review status: criteria provided, multiple submitters, no conflicts (2 of 4 stars). 3 submissions from 3 submitters: Uncertain significance (3). Last evaluated 2026-02-05.

Conditions:
Hereditary cancer-predisposing syndrome. Also called: Tumor predisposition; Hereditary Cancer Syndrome; Hereditary neoplastic syndrome; Neoplastic Syndromes, Hereditary. Identifiers: Orphanet 140162, MedGen C0027672, MeSH D009386, MONDO:0015356.

Allele frequency attached by ClinVar (database versions not stated): gnomAD exomes below 0.00001.
gnomAD v4.1: 1 of 1,614,218 alleles (0.000062%); highest among the groups gnomAD compares: Non-Finnish European, 0.000085%; no homozygotes.

Submissions (3):

Ambry Genetics
Classification: Uncertain significance for Hereditary cancer-predisposing syndrome. Last evaluated: 2026-02-05. Review status: criteria provided, single submitter. Criteria: Ambry Variant Classification Scheme 2023. Collection method: clinical testing. Allele origin: germline.
Comment: The p.N307S variant (also known as c.920A>G), located in coding exon 4 of the MSH6 gene, results from an A to G substitution at nucleotide position 920. The asparagine at codon 307 is replaced by serine, an amino acid with highly similar properties. This amino acid position is not well conserved in available vertebrate species. In addition, this alteration is predicted to be tolerated by in silico analysis. Based on the available evidence, the clinical significance of this variant remains unclear.

Quest Diagnostics Nichols Institute San Juan Capistrano
Classification: Uncertain significance. Last evaluated: 2022-10-21. Review status: criteria provided, single submitter. Criteria: Quest Diagnostics criteria. Collection method: clinical testing. Allele origin: unknown.
Comment: It has not been reported in large, multi-ethnic general populations. In a large-scale breast cancer association study, the variant was observed in an unaffected control individual (PMID: 33471991 (2021)). Analysis of this variant using bioinformatics tools for the prediction of the effect of amino acid changes on protein structure and function yielded predictions that this variant is benign. Based on the available information, we are unable to determine the clinical significance of this variant.

Color Diagnostics, LLC DBA Color Health
Classification: Uncertain significance for Hereditary cancer-predisposing syndrome. Last evaluated: 2021-12-30. Review status: criteria provided, single submitter. Criteria: ACMG Guidelines, 2015. Collection method: clinical testing. Allele origin: germline.
Comment: This missense variant replaces asparagine with serine at codon 307 of the MSH6 protein. Computational prediction suggests that this variant may not impact protein structure and function (internally defined REVEL score threshold <= 0.5, PMID: 27666373). To our knowledge, functional studies have not been reported for this variant. This variant has not been reported in individuals affected with hereditary cancer in the literature. This variant has not been identified in the general population by the Genome Aggregation Database (gnomAD). The available evidence is insufficient to determine the role of this variant in disease conclusively. Therefore, this variant is classified as a Variant of Uncertain Significance.

Literature cited by the submitters: PubMed 33471991 (cited by Quest Diagnostics Nichols Institute San Juan Capistrano).

NM_000179.3(MSH6):c.920A>G (p.Asn307Ser)

Gene: MSH6 (mutS homolog 6; plus strand). Cytogenetic location: 2p16.3.
Variant type: single nucleotide variant.
Coding change: c.920A>G on transcript NM_000179.3 (MANE Select); coding-DNA position 920, A replaced by G.
Protein change: p.Asn307Ser; replaces asparagine 307 with serine.
Molecular consequence: missense variant. On other transcripts: non-coding transcript variant (4), intron variant (1).
Genome position (GRCh38, 1-based): chr2:47,798,903, A>G. VCF-style: chr2-47798903-A-G. GRCh37 (hg19) VCF-style: chr2-48026042-A-G.
Other names: c.530A>G, p.Asn177Ser (NM_001281492.2); c.14A>G, p.Asn5Ser (NM_001281493.2, NM_001281494.2, NM_001406823.1 and 6 more transcripts); c.1016A>G, p.Asn339Ser (NM_001406795.1, NM_001406802.1); c.920A>G, p.Asn307Ser (NM_001406796.1, NM_001406798.1, NM_001406800.1 and 4 more transcripts); c.623A>G, p.Asn208Ser (NM_001406797.1, NM_001406801.1, NM_001406805.1 and 10 more transcripts); c.395A>G, p.Asn132Ser (NM_001406799.1, NM_001406806.1, NM_001406807.1); c.842A>G, p.Asn281Ser (NM_001406804.1); c.752A>G, p.Asn251Ser (NM_001406826.1); and 2 more; short protein forms N132S, N177S, N208S, N251S, N281S, N307S, N309S, N339S.
Identifiers: ClinVar variation 2682028 (VCV002682028.4), dbSNP rs2104306349, ClinGen allele CA346740738.
Genomic context (GRCh38, chr2:47,798,903, plus strand): 5'-GTGAAGGCCTGAACAGCCCTGTCAAAGTTGCTCGAAAGCGGAAGAGAATGGTGACTGGAA[A>G]TGGCTCTCTTAAAAGGAAAAGCTCTAGGAAGGAAACGCCCTCAGCCACCAAACAAGCAAC-3'
Protein context (NP_000170.1, residues 297-317): ARKRKRMVTG[Asn307Ser]GSLKRKSSRK